The following is an entry in ClinVar:

NM_005422.4(TECTA):c.2139C>A (p.Cys713Ter)

Genes: TBCEL-TECTA (TBCEL-TECTA readthrough; plus strand), TECTA (tectorin alpha; plus strand). Cytogenetic location: 11q23.3.
Variant type: single nucleotide variant.
Coding change: c.2139C>A on transcript NM_005422.4 (MANE Select); coding-DNA position 2139, C replaced by A.
Protein change: p.Cys713Ter; replaces cysteine 713 with a stop codon.
Molecular consequence: nonsense.
Genome position (GRCh38, 1-based): chr11:121,128,116, C>A. VCF-style: chr11-121128116-C-A. GRCh37 (hg19) VCF-style: chr11-120998825-C-A.
Other names: c.3096C>A, p.Cys1032Ter (NM_001378761.1); short protein forms C713*, C1032*.
Identifiers: ClinVar variation 505476 (VCV000505476.11), dbSNP rs768295360, ClinGen allele CA383014259.
Genomic context (GRCh38, chr11:121,128,116, plus strand): 5'-GGAGGTGTGCGCCGTGGAGGACGGCTACCAGGGCTGCTTCCCCAAGCGGGAGACCGTGTG[C>A]CTGCTCAGCCAGAACCAGGTGCTGCACACCTTTGACGGCGCCTCCTACGCCTTCCCCTCC-3'

ClinVar aggregate classification (germline): Pathogenic. Review status: criteria provided, multiple submitters, no conflicts (2 of 4 stars). 3 submissions from 3 submitters: Pathogenic (3). Last evaluated 2024-10-16.

Conditions:
Rare genetic deafness. Identifiers: Orphanet 96210, MedGen C5680250.
Inborn genetic diseases. Identifiers: MedGen C0950123, MeSH D030342.

Allele frequency attached by ClinVar (database versions not stated): TOPMed 0.00001.
gnomAD v4.1: 10 of 1,612,872 alleles (0.00062%); highest among the groups gnomAD compares: Non-Finnish European, 0.00085%; no homozygotes.

Submissions (3):

Ambry Genetics
Classification: Pathogenic for Inborn genetic diseases. Last evaluated: 2024-10-16. Review status: criteria provided, single submitter. Criteria: Ambry Variant Classification Scheme 2023. Collection method: clinical testing. Allele origin: germline.
Comment: The c.2139C>A (p.C713*) alteration, located in exon 8 (coding exon 8) of the TECTA gene, consists of a C to A substitution at nucleotide position 2139. This changes the amino acid from a cysteine (C) to a stop codon at amino acid position 713. This alteration is expected to result in loss of function by premature protein truncation or nonsense-mediated mRNA decay. for autosomal recessive TECTA-related deafness; however, its clinical significance for autosomal dominant TECTA-related deafness is uncertain as loss-of-function has not been established as a mechanism of disease for this condition. This variant was not reported in population-based cohorts in the Genome Aggregation Database (gnomAD). Based on the available evidence, this alteration is classified as pathogenic.

Labcorp Genetics (formerly Invitae), Labcorp
Classification: Pathogenic. Last evaluated: 2021-02-18. Review status: criteria provided, single submitter. Criteria: Invitae Variant Classification Sherloc (09022015). Collection method: clinical testing. Allele origin: germline.
Comment: This sequence change creates a premature translational stop signal (p.Cys713*) in the TECTA gene. It is expected to result in an absent or disrupted protein product. Loss-of-function variants in TECTA are known to be pathogenic (PMID: 11087000, 12746400, 17431902, 24130743). This variant is not present in population databases (ExAC no frequency). This variant has not been reported in the literature in individuals with TECTA-related conditions. ClinVar contains an entry for this variant (Variation ID: 505476). For these reasons, this variant has been classified as Pathogenic.

Laboratory for Molecular Medicine, Mass General Brigham Personalized Medicine
Classification: Pathogenic for Rare genetic deafness. Last evaluated: 2017-01-12. Review status: criteria provided, single submitter. Criteria: LMM Criteria. Collection method: clinical testing. Allele origin: germline. Inheritance: Autosomal recessive inheritance. Observed: 1 variant allele.
Comment: The p.Cys713X variant in TECTA has not been previously reported in individuals w ith hearing loss or in large population studies. This nonsense variant leads to a premature termination codon at position 713, which is predicted to lead to a t runcated or absent protein. Loss of function of the TECTA gene is an established disease mechanism in autosomal recessive hearing loss. In addition, some varian ts that result in a truncated protein may have the potential to cause hearing lo ss inherited in an autosomal dominant pattern (Collin 2008, Hildebrand 2011). Ho wever, there is insufficient evidence to predict whether the p.Cys713X variant c an lead to dominantly inherited hearing loss. In summary, this variant meets our criteria to be classified as pathogenic for hearing loss in an autosomal recess ive manner based on the predicted impact on the protein.

Literature cited by the submitters: PubMed 11087000 (cited by Labcorp Genetics (formerly Invitae), Labcorp); PubMed 12746400 (cited by Labcorp Genetics (formerly Invitae), Labcorp); PubMed 17431902 (cited by Labcorp Genetics (formerly Invitae), Labcorp); PubMed 24130743 (cited by Labcorp Genetics (formerly Invitae), Labcorp); PubMed 21520338 (cited by Laboratory for Molecular Medicine, Mass General Brigham Personalized Medicine); PubMed 18575463 (cited by Laboratory for Molecular Medicine, Mass General Brigham Personalized Medicine).